The following is an entry in ClinVar:

NM_000784.4(CYP27A1):c.151C>T (p.Arg51Trp)

Gene: CYP27A1 (cytochrome P450 family 27 subfamily A member 1; plus strand). Cytogenetic location: 2q35.
Variant type: single nucleotide variant.
Coding change: c.151C>T on transcript NM_000784.4 (MANE Select); coding-DNA position 151, C replaced by T.
Protein change: p.Arg51Trp; replaces arginine 51 with tryptophan.
Molecular consequence: missense variant.
Genome position (GRCh38, 1-based): chr2:218,782,333, C>T. VCF-style: chr2-218782333-C-T. GRCh37 (hg19) VCF-style: chr2-219647056-C-T.
Other names: c.151C>T (NM_000784.3); short protein forms R51W.
Identifiers: ClinVar variation 1521941 (VCV001521941.6), dbSNP rs570721628, ClinGen allele CA2112522.

ClinVar aggregate classification (germline): Uncertain significance. Review status: criteria provided, multiple submitters, no conflicts (2 of 4 stars). 2 submissions from 2 submitters: Uncertain significance (2). Last evaluated 2025-09-01.

Conditions:
Cholestanol storage disease (CTX). Also called: CEREBRAL CHOLESTERINOSIS; Cerebrotendinous Xanthomatosis; CTX: Cerebrotendinous xanthomatosis. Identifiers: Orphanet 909, MedGen C0238052, MONDO:0008948, OMIM 213700.
Cardiovascular phenotype. Identifiers: MedGen CN230736.

Allele frequency attached by ClinVar (database versions not stated): gnomAD 0.00005; TOPMed 0.00006; 1000 Genomes Project 0.00040; 1000 Genomes Project 30x 0.00047.
gnomAD v4.1: 17 of 1,613,402 alleles (0.0011%); highest among the groups gnomAD compares: African/African-American, 0.015%; no homozygotes.

Submissions (2):

Ambry Genetics
Classification: Uncertain significance for Cardiovascular phenotype. Last evaluated: 2025-09-01. Review status: criteria provided, single submitter. Criteria: Ambry Variant Classification Scheme 2023. Collection method: clinical testing. Allele origin: germline.

Labcorp Genetics (formerly Invitae), Labcorp
Classification: Uncertain significance for Cholestanol storage disease. Last evaluated: 2022-06-12. Review status: criteria provided, single submitter. Criteria: Invitae Variant Classification Sherloc (09022015). Collection method: clinical testing. Allele origin: germline.
Comment: This sequence change replaces arginine, which is basic and polar, with tryptophan, which is neutral and slightly polar, at codon 51 of the CYP27A1 protein (p.Arg51Trp). The frequency data for this variant in the population databases is considered unreliable, as metrics indicate poor data quality at this position in the gnomAD database. This variant has not been reported in the literature in individuals affected with CYP27A1-related conditions. Advanced modeling of protein sequence and biophysical properties (such as structural, functional, and spatial information, amino acid conservation, physicochemical variation, residue mobility, and thermodynamic stability) performed at Invitae indicates that this missense variant is not expected to disrupt CYP27A1 protein function. In summary, the available evidence is currently insufficient to determine the role of this variant in disease. Therefore, it has been classified as a Variant of Uncertain Significance.